The following is an entry in ClinVar:

ClinVar aggregate classification (germline): Uncertain significance (1 of 4 stars; one submission).

Conditions:
Cardiovascular phenotype. Identifiers: MedGen CN230736.

Submission:

Ambry Genetics
Classification: Uncertain significance for Cardiovascular phenotype. Last evaluated: 2024-01-27. Review status: criteria provided, single submitter. Criteria: Ambry Variant Classification Scheme 2023. Collection method: clinical testing. Allele origin: germline.
Comment: The p.T1049A variant (also known as c.3145A>G), located in coding exon 20 of the SOS1 gene, results from an A to G substitution at nucleotide position 3145. The threonine at codon 1049 is replaced by alanine, an amino acid with similar properties. This amino acid position is conserved. In addition, the in silico prediction for this alteration is inconclusive. Based on the available evidence, the clinical significance of this alteration remains unclear.

NM_005633.4(SOS1):c.3145A>G (p.Thr1049Ala)

Gene: SOS1 (SOS Ras/Rac guanine nucleotide exchange factor 1; minus strand). Cytogenetic location: 2p22.1.
Variant type: single nucleotide variant.
Coding change: c.3145A>G on transcript NM_005633.4 (MANE Select); coding-DNA position 3145, A replaced by G.
Protein change: p.Thr1049Ala; replaces threonine 1049 with alanine.
Molecular consequence: missense variant.
Genome position (GRCh38, 1-based): chr2:38,995,324, T>C on the plus strand (A>G on the coding strand, the complement: SOS1 is on the minus strand). VCF-style: chr2-38995324-T-C. GRCh37 (hg19) VCF-style: chr2-39222465-T-C.
Other names: c.3124A>G, p.Thr1042Ala (NM_001382394.1); c.3145A>G, p.Thr1049Ala (NM_001382395.1); short protein forms T1042A, T1049A.
Identifiers: ClinVar variation 3224888 (VCV003224888.1), dbSNP rs1668858649, ClinGen allele CA346361135.